The following is an entry in ClinVar:

NM_017763.6(RNF43):c.1448C>T (p.Thr483Met)

Gene: RNF43 (ring finger protein 43; minus strand). Cytogenetic location: 17q22.
Variant type: single nucleotide variant.
Coding change: c.1448C>T on transcript NM_017763.6 (MANE Select); coding-DNA position 1448, C replaced by T.
Protein change: p.Thr483Met; replaces threonine 483 with methionine.
Molecular consequence: missense variant.
Genome position (GRCh38, 1-based): chr17:58,358,328, G>A on the plus strand (C>T on the coding strand, the complement: RNF43 is on the minus strand). VCF-style: chr17-58358328-G-A. GRCh37 (hg19) VCF-style: chr17-56435689-G-A.
Other names: c.1448C>T, p.Thr483Met (NM_001305544.3); c.1067C>T, p.Thr356Met (NM_001305545.2); c.1448C>T (NM_017763.4); short protein forms T356M, T483M.
Identifiers: ClinVar variation 2192468 (VCV002192468.5), dbSNP rs779655071, ClinGen allele CA8673179.
Genomic context (GRCh38, chr17:58,358,328, plus strand): 5'-CTGCTTAGGGAGCTGCAGAAAGTAGAACTGCTGCCATGGACCCCCTGTAGGCTGATGTCC[G>A]TGCAGTTGACCACAGAGTCACTGGAAGAGCCATGACAGGGCCCTGAGCTGGAGTCACTGG-3'
Protein context (NP_060233.3, residues 473-493): GSSSDSVVNC[Thr483Met]DISLQGVHGS

ClinVar aggregate classification (germline): Uncertain significance. Review status: criteria provided, multiple submitters, no conflicts (2 of 4 stars). 2 submissions from 2 submitters: Uncertain significance (2). Last evaluated 2025-09-26.

Allele frequency attached by ClinVar (database versions not stated): ExAC 0.00001; gnomAD 0.00001; gnomAD exomes 0.00001.
gnomAD v4.1: 12 of 1,614,036 alleles (0.00074%); highest among the groups gnomAD compares: East Asian, 0.0022%; no homozygotes.

Submissions (2):

Ambry Genetics
Classification: Uncertain significance. Last evaluated: 2025-09-26. Review status: criteria provided, single submitter. Criteria: Ambry Variant Classification Scheme 2023. Collection method: clinical testing. Allele origin: germline.
Comment: The p.T483M variant (also known as c.1448C>T), located in coding exon 8 of the RNF43 gene, results from a C to T substitution at nucleotide position 1448. The threonine at codon 483 is replaced by methionine, an amino acid with similar properties. This amino acid position is highly conserved in available vertebrate species. In addition, this alteration is predicted to be tolerated by in silico analysis. The evidence for this gene-disease relationship is limited; therefore, the clinical significance of this alteration is unclear.

Labcorp Genetics (formerly Invitae), Labcorp
Classification: Uncertain significance. Last evaluated: 2024-12-26. Review status: criteria provided, single submitter. Criteria: Invitae Variant Classification Sherloc (09022015). Collection method: clinical testing. Allele origin: germline.
Comment: This sequence change replaces threonine, which is neutral and polar, with methionine, which is neutral and non-polar, at codon 483 of the RNF43 protein (p.Thr483Met). This variant is present in population databases (rs779655071, gnomAD 0.005%). This variant has not been reported in the literature in individuals affected with RNF43-related conditions. ClinVar contains an entry for this variant (Variation ID: 2192468). An algorithm developed to predict the effect of missense changes on protein structure and function (PolyPhen-2) suggests that this variant is likely to be disruptive. In summary, the available evidence is currently insufficient to determine the role of this variant in disease. Therefore, it has been classified as a Variant of Uncertain Significance.